The following is an entry in ClinVar:

NM_004172.5(SLC1A3):c.487C>T (p.Arg163Ter)

Genes: SLC1A3 (solute carrier family 1 member 3; plus strand), SLC1A3-AS1 (SLC1A3 antisense RNA 1; minus strand). Cytogenetic location: 5p13.2.
Variant type: single nucleotide variant.
Coding change: c.487C>T on transcript NM_004172.5 (MANE Select); coding-DNA position 487, C replaced by T.
Protein change: p.Arg163Ter; replaces arginine 163 with a stop codon.
Molecular consequence: nonsense.
Genome position (GRCh38, 1-based): chr5:36,671,196, C>T. VCF-style: chr5-36671196-C-T. GRCh37 (hg19) VCF-style: chr5-36671298-C-T.
Other names: c.487C>T, p.Arg163Ter (NM_001166695.3, NM_001289940.2); c.349C>T, p.Arg117Ter (NM_001289939.2); short protein forms R163*, R117*.
Identifiers: ClinVar variation 2078726 (VCV002078726.4), dbSNP rs2111930393, ClinGen allele CA359477593.

ClinVar aggregate classification (germline): Uncertain significance (1 of 4 stars; one submission).

Allele frequency attached by ClinVar (database versions not stated): gnomAD exomes below 0.00001.

Submission:

Labcorp Genetics (formerly Invitae), Labcorp
Classification: Uncertain significance. Last evaluated: 2025-06-18. Review status: criteria provided, single submitter. Criteria: Invitae Variant Classification Sherloc (09022015). Collection method: clinical testing. Allele origin: germline.
Comment: This sequence change creates a premature translational stop signal (p.Arg163*) in the SLC1A3 gene. It is expected to result in an absent or disrupted protein product. However, the current clinical and genetic evidence is not sufficient to establish whether loss-of-function variants in SLC1A3 cause disease. This variant is not present in population databases (gnomAD no frequency). This variant has not been reported in the literature in individuals affected with SLC1A3-related conditions. ClinVar contains an entry for this variant (Variation ID: 2078726). In summary, the available evidence is currently insufficient to determine the role of this variant in disease. Therefore, it has been classified as a Variant of Uncertain Significance.